The following is an entry in ClinVar:

ClinVar aggregate classification (germline): Uncertain significance (1 of 4 stars; one submission).

Submission:

Ambry Genetics
Classification: Uncertain significance. Last evaluated: 2023-03-24. Review status: criteria provided, single submitter. Criteria: Ambry Variant Classification Scheme 2023. Collection method: clinical testing. Allele origin: germline.
Comment: The p.R129M variant (also known as c.386G>T), located in coding exon 2 of the MNDA gene, results from a G to T substitution at nucleotide position 386. The arginine at codon 129 is replaced by methionine, an amino acid with similar properties. This amino acid position is conserved. In addition, this alteration is predicted to be tolerated by in silico analysis. Since supporting evidence is limited at this time, the clinical significance of this alteration remains unclear.

NM_002432.3(MNDA):c.386G>T (p.Arg129Met)

Gene: MNDA (myeloid cell nuclear differentiation antigen; plus strand). Cytogenetic location: 1q23.1.
Variant type: single nucleotide variant.
Coding change: c.386G>T on transcript NM_002432.3 (MANE Select); coding-DNA position 386, G replaced by T.
Protein change: p.Arg129Met; replaces arginine 129 with methionine.
Molecular consequence: missense variant.
Genome position (GRCh38, 1-based): chr1:158,843,399, G>T. VCF-style: chr1-158843399-G-T. GRCh37 (hg19) VCF-style: chr1-158813189-G-T.
Other names: short protein forms R129M.
Identifiers: ClinVar variation 2563138 (VCV002563138.2), dbSNP rs2526079413, ClinGen allele CA343038831.